The following is an entry in ClinVar:

ClinVar aggregate classification (germline): Uncertain significance. Review status: criteria provided, single submitter (1 of 4 stars). 2 submissions from 2 submitters: Uncertain significance (1). 1 of the submissions does not count toward it. Last evaluated 2024-11-27.

Conditions:
Tooth agenesis, selective, 7 (STHAG7). Identifiers: Orphanet 99798, MedGen C4225231, MONDO:0014749, OMIM 616724.

Allele frequency attached by ClinVar (database versions not stated): gnomAD exomes below 0.00001.

Submissions (2):

Labcorp Genetics (formerly Invitae), Labcorp
Classification: Uncertain significance. Last evaluated: 2024-11-27. Review status: criteria provided, single submitter. Criteria: Invitae Variant Classification Sherloc (09022015). Collection method: clinical testing. Allele origin: germline.
Comment: This sequence change replaces alanine, which is neutral and non-polar, with valine, which is neutral and non-polar, at codon 19 of the LRP6 protein (p.Ala19Val). This variant is present in population databases (no rsID available, gnomAD 0.006%). This missense change has been observed in individual(s) with oligodontia (PMID: 26387593). It has also been observed to segregate with disease in related individuals. ClinVar contains an entry for this variant (Variation ID: 218879). An algorithm developed to predict the effect of missense changes on protein structure and function (PolyPhen-2) suggests that this variant is likely to be tolerated. Experimental studies have shown that this missense change affects LRP6 function (PMID: 26387593). In summary, the available evidence is currently insufficient to determine the role of this variant in disease. Therefore, it has been classified as a Variant of Uncertain Significance.

OMIM
Classification: Pathogenic for TOOTH AGENESIS, SELECTIVE, 7. Last evaluated: 2015-10-01. Review status: no assertion criteria provided. Collection method: literature only. Allele origin: germline. Not counted in ClinVar's aggregate classification.

Literature cited by the submitters: PubMed 26387593 (cited by Labcorp Genetics (formerly Invitae), Labcorp and OMIM).

NM_002336.3(LRP6):c.56C>T (p.Ala19Val)

Gene: LRP6 (LDL receptor related protein 6; minus strand). Cytogenetic location: 12p13.2.
Variant type: single nucleotide variant.
Coding change: c.56C>T on transcript NM_002336.3 (MANE Select); coding-DNA position 56, C replaced by T.
Protein change: p.Ala19Val; replaces alanine 19 with valine.
Molecular consequence: missense variant.
Genome position (GRCh38, 1-based): chr12:12,244,655, G>A on the plus strand (C>T on the coding strand, the complement: LRP6 is on the minus strand). VCF-style: chr12-12244655-G-A. GRCh37 (hg19) VCF-style: chr12-12397589-G-A.
Other names: short protein forms A19V.
Identifiers: ClinVar variation 218879 (VCV000218879.6), dbSNP rs864309648, ClinGen allele CA278756.